The following is an entry in ClinVar:

ClinVar aggregate classification (germline): Uncertain significance (1 of 4 stars; one submission).

Submission:

Labcorp Genetics (formerly Invitae), Labcorp
Classification: Uncertain significance. Last evaluated: 2022-08-23. Review status: criteria provided, single submitter. Criteria: Invitae Variant Classification Sherloc (09022015). Collection method: clinical testing. Allele origin: germline.
Comment: This variant, c.53_58dup, results in the insertion of 2 amino acid(s) of the SLC9A3 protein (p.Ala18_Leu19dup), but otherwise preserves the integrity of the reading frame. This variant is present in population databases (rs754215754, gnomAD 0.05%). This variant has not been reported in the literature in individuals affected with SLC9A3-related conditions. In summary, the available evidence is currently insufficient to determine the role of this variant in disease. Therefore, it has been classified as a Variant of Uncertain Significance.

NM_004174.4(SLC9A3):c.47CGCTGG[3] (p.Leu19_Gly20insAlaLeu)

Gene: SLC9A3 (solute carrier family 9 member A3). Cytogenetic location: 5p15.33.
Variant type: Microsatellite.
Coding change: c.47CGCTGG[3] on transcript NM_004174.4 (MANE Select); three copies in a row of the 6-base unit CGCTGG starting at c.47.
Protein change: p.Leu19_Gly20insAlaLeu.
Molecular consequence: inframe insertion.
Genome position: GRCh38 VCF-style: chr5-524264-C-CCCAGCG. GRCh37 (hg19) VCF-style: chr5-524379-C-CCCAGCG.
Other names: c.47CGCTGG[3], p.Leu19_Gly20insAlaLeu (NM_001284351.3).
Identifiers: ClinVar variation 1925166 (VCV001925166.3), dbSNP rs754215754, ClinGen allele CA3176422.